The following is an entry in ClinVar:

NM_025137.4(SPG11):c.4319A>T (p.Asp1440Val)

Gene: SPG11 (SPG11 vesicle trafficking associated, spatacsin; minus strand). Cytogenetic location: 15q21.1.
Variant type: single nucleotide variant.
Coding change: c.4319A>T on transcript NM_025137.4 (MANE Select); coding-DNA position 4319, A replaced by T.
Protein change: p.Asp1440Val; replaces aspartic acid 1440 with valine.
Molecular consequence: missense variant.
Genome position (GRCh38, 1-based): chr15:44,596,198, T>A on the plus strand (A>T on the coding strand, the complement: SPG11 is on the minus strand). VCF-style: chr15-44596198-T-A. GRCh37 (hg19) VCF-style: chr15-44888396-T-A.
Other names: c.4319A>T, p.Asp1440Val (NM_001160227.2); short protein forms D1440V.
Identifiers: ClinVar variation 1525507 (VCV001525507.5), dbSNP rs2140971917, ClinGen allele CA392227754.

ClinVar aggregate classification (germline): Uncertain significance (1 of 4 stars; one submission).

Conditions:
Hereditary spastic paraplegia 11. Also called: Spastic Paraplegia 11; SPASTIC PARAPLEGIA, AUTOSOMAL RECESSIVE, COMPLICATED, WITH THIN CORPUS CALLOSUM; SPASTIC PARAPLEGIA, AUTOSOMAL RECESSIVE, WITH MENTAL IMPAIRMENT AND THIN CORPUS CALLOSUM; Nakamura Osame syndrome; Autosomal recessive hereditary spastic paraplegia, mental impairment, and thin corpus callosum; Spastic paraplegia, mental retardation and thin corpus callosum. Identifiers: Orphanet 2822, MedGen C1858479, MONDO:0011445, OMIM 604360.

Submission:

Labcorp Genetics (formerly Invitae), Labcorp
Classification: Uncertain significance for Hereditary spastic paraplegia 11. Last evaluated: 2021-09-01. Review status: criteria provided, single submitter. Criteria: Invitae Variant Classification Sherloc (09022015). Collection method: clinical testing. Allele origin: germline.
Comment: This sequence change replaces aspartic acid with valine at codon 1440 of the SPG11 protein (p.Asp1440Val). The aspartic acid residue is moderately conserved and there is a large physicochemical difference between aspartic acid and valine. This variant is not present in population databases (ExAC no frequency). This variant has not been reported in the literature in individuals affected with SPG11-related conditions. Algorithms developed to predict the effect of missense changes on protein structure and function are either unavailable or do not agree on the potential impact of this missense change (SIFT: "Deleterious"; PolyPhen-2: "Probably Damaging"; Align-GVGD: "Class C15"). In summary, the available evidence is currently insufficient to determine the role of this variant in disease. Therefore, it has been classified as a Variant of Uncertain Significance.